The following is an entry in ClinVar:

NM_001184.4(ATR):c.6552+1G>A

Gene: ATR (ATR serine/threonine kinase; minus strand). Cytogenetic location: 3q23.
Variant type: single nucleotide variant.
Coding change: c.6552+1G>A on transcript NM_001184.4 (MANE Select); the canonical splice donor site of the intron after coding-DNA position 6552, G replaced by A.
Molecular consequence: splice donor variant.
Genome position (GRCh38, 1-based): chr3:142,469,336, C>T on the plus strand (G>A on the coding strand, the complement: ATR is on the minus strand). VCF-style: chr3-142469336-C-T. GRCh37 (hg19) VCF-style: chr3-142188178-C-T.
Other names: c.6360+1G>A (NM_001354579.2).
Identifiers: ClinVar variation 3730662 (VCV003730662.1).

ClinVar aggregate classification (germline): Likely pathogenic (1 of 4 stars; one submission).

gnomAD v4.1: 1 of 1,610,512 alleles (0.000062%); highest among the groups gnomAD compares: Admixed American, 0.0017%; no homozygotes.

Submission:

Labcorp Genetics (formerly Invitae), Labcorp
Classification: Likely pathogenic. Last evaluated: 2024-06-04. Review status: criteria provided, single submitter. Criteria: Invitae Variant Classification Sherloc (09022015). Collection method: clinical testing. Allele origin: germline.
Comment: This sequence change affects a donor splice site in intron 38 of the ATR gene. It is expected to disrupt RNA splicing. Variants that disrupt the donor or acceptor splice site typically lead to a loss of protein function (PMID: 16199547), and loss-of-function variants in ATR are known to be pathogenic (PMID: 21228398, 23144622). This variant is present in population databases (no rsID available, gnomAD 0.003%). This variant has not been reported in the literature in individuals affected with ATR-related conditions. Algorithms developed to predict the effect of sequence changes on RNA splicing suggest that this variant may disrupt the consensus splice site. In summary, the currently available evidence indicates that the variant is pathogenic, but additional data are needed to prove that conclusively. Therefore, this variant has been classified as Likely Pathogenic.

Literature cited by the submitters: PubMed 16199547; PubMed 21228398; PubMed 23144622.